The following is an entry in ClinVar:

ClinVar aggregate classification (germline): Conflicting classifications of pathogenicity. Review status: criteria provided, conflicting classifications (1 of 4 stars). 6 submissions from 6 submitters: Uncertain significance (1); Likely benign (4). 1 of the submissions does not count toward it. Last evaluated 2026-01-18.

Conditions:
GNE myopathy (NM). Also called: IBM 2; Inclusion body myopathy autosomal recessive; Inclusion body myopathy quadriceps sparing; INCLUSION BODY MYOPATHY, HEREDITARY, AUTOSOMAL RECESSIVE; INCLUSION BODY MYOPATHY 2, AUTOSOMAL RECESSIVE; MYOPATHY, DISTAL, WITH OR WITHOUT RIMMED VACUOLES. Identifiers: Orphanet 602, MedGen C1853926, MONDO:0011603, OMIM 605820.
Sialuria. Also called: SIALURIA, FRENCH TYPE; Sialic Acid Storage Disease. Identifiers: Orphanet 3166, MedGen C0342853, MONDO:0010028, OMIM 269921.

Allele frequency attached by ClinVar (database versions not stated): ExAC 0.00002; gnomAD exomes 0.00003; gnomAD 0.00004; TOPMed 0.00006.

Submissions (6):

Labcorp Genetics (formerly Invitae), Labcorp
Classification: Likely benign for Sialuria; GNE myopathy. Last evaluated: 2026-01-18. Review status: criteria provided, single submitter. Criteria: Invitae Variant Classification Sherloc (09022015). Collection method: clinical testing. Allele origin: germline.

CeGaT Center for Human Genetics Tuebingen
Classification: Likely benign. Last evaluated: 2025-11-01. Review status: criteria provided, single submitter. Criteria: CeGaT Center For Human Genetics Tuebingen Variant Classification Criteria Version 2. Collection method: clinical testing. Allele origin: germline. Affected: yes. Observed: 1 variant allele.
Comment: GNE: BP4, BP7

Mayo Clinic Laboratories, Mayo Clinic
Classification: Likely benign. Last evaluated: 2025-08-06. Review status: criteria provided, single submitter. Criteria: ACMG Guidelines, 2015. Collection method: clinical testing. Allele origin: germline. Observed: 1 variant allele.
Comment: BP4, BP7

Blueprint Genetics
Classification: Likely benign. Last evaluated: 2024-03-18. Review status: criteria provided, single submitter. Criteria: ACMG Guidelines, 2015. Collection method: clinical testing. Allele origin: germline.

Eurofins Ntd Llc (ga)
Classification: Uncertain significance. Last evaluated: 2018-04-25. Review status: criteria provided, single submitter. Criteria: EGL ClinVar v180209 classification definitions. Collection method: clinical testing. Allele origin: germline. Observed: 1 variant allele, 1 heterozygote.

Natera, Inc.
Classification: Uncertain significance for Nonaka myopathy. Last evaluated: 2019-10-28. Review status: no assertion criteria provided. Collection method: clinical testing. Allele origin: germline. Not counted in ClinVar's aggregate classification.

NM_005476.7(GNE):c.1572G>A (p.Ala524=)

Gene: GNE (glucosamine (UDP-N-acetyl)-2-epimerase/N-acetylmannosamine kinase; minus strand). Cytogenetic location: 9p13.3.
Variant type: single nucleotide variant.
Coding change: c.1572G>A on transcript NM_005476.7 (MANE Select); coding-DNA position 1572, G replaced by A.
Protein change: p.Ala524=; no amino-acid change (alanine 524 retained).
Molecular consequence: synonymous variant. On other transcripts: intron variant (1).
Genome position (GRCh38, 1-based): chr9:36,222,838, C>T on the plus strand (G>A on the coding strand, the complement: GNE is on the minus strand). VCF-style: chr9-36222838-C-T. GRCh37 (hg19) VCF-style: chr9-36222835-C-T.
Other names: p.Ala555=; c.1665G>A, p.Ala555= (NM_001128227.3); c.1242G>A, p.Ala414= (NM_001190384.3); c.1395G>A, p.Ala465= (NM_001190388.2, NM_001374798.1); c.1419G>A, p.Ala473= (NM_001374797.1); c.1411+535G>A (NM_001190383.3).
Identifiers: ClinVar variation 597049 (VCV000597049.19), dbSNP rs112824871, ClinGen allele CA5056465.